The following is an entry in ClinVar:

NM_005235.3(ERBB4):c.421+8A>G

Gene: ERBB4 (erb-b2 receptor tyrosine kinase 4; minus strand). Cytogenetic location: 2q34.
Variant type: single nucleotide variant.
Coding change: c.421+8A>G on transcript NM_005235.3 (MANE Select); 8 bases into the intron after coding-DNA position 421, A replaced by G.
Molecular consequence: intron variant.
Genome position (GRCh38, 1-based): chr2:211,947,422, T>C on the plus strand (A>G on the coding strand, the complement: ERBB4 is on the minus strand). VCF-style: chr2-211947422-T-C. GRCh37 (hg19) VCF-style: chr2-212812147-T-C.
Other names: c.421+8A>G (NM_001042599.2, NM_001439006.1, NM_001439005.1).
Identifiers: ClinVar variation 2157248 (VCV002157248.6), dbSNP rs772267165, ClinGen allele CA2088452.

ClinVar aggregate classification (germline): Likely benign. Review status: criteria provided, single submitter (1 of 4 stars). 2 submissions from 2 submitters: Likely benign (1). 1 of the submissions does not count toward it. Last evaluated 2023-10-22.

Conditions:
ERBB4-related disorder. Also called: ERBB4-related condition.

Allele frequency attached by ClinVar (database versions not stated): gnomAD exomes 0.00002; ExAC 0.00003; gnomAD 0.00003; TOPMed 0.00004.
gnomAD v4.1: 32 of 1,610,600 alleles (0.002%); highest among the groups gnomAD compares: Non-Finnish European, 0.0025%; no homozygotes.

Submissions (2):

Labcorp Genetics (formerly Invitae), Labcorp
Classification: Likely benign. Last evaluated: 2023-10-22. Review status: criteria provided, single submitter. Criteria: Invitae Variant Classification Sherloc (09022015). Collection method: clinical testing. Allele origin: germline.

PreventionGenetics, part of Exact Sciences
Classification: Likely benign for ERBB4-related condition. Last evaluated: 2022-10-18. Review status: no assertion criteria provided. Collection method: clinical testing. Allele origin: germline. Not counted in ClinVar's aggregate classification.
Comment: This variant is classified as likely benign based on ACMG/AMP sequence variant interpretation guidelines (Richards et al. 2015 PMID: 25741868, with internal and published modifications).